The following is an entry in ClinVar:

NM_033305.3(VPS13A):c.6039C>A (p.Thr2013=)

Gene: VPS13A (vacuolar protein sorting 13 homolog A; plus strand). Cytogenetic location: 9q21.2.
Variant type: single nucleotide variant.
Coding change: c.6039C>A on transcript NM_033305.3 (MANE Select); coding-DNA position 6039, C replaced by A.
Protein change: p.Thr2013=; no amino-acid change (threonine 2013 retained).
Molecular consequence: synonymous variant.
Genome position (GRCh38, 1-based): chr9:77,332,057, C>A. VCF-style: chr9-77332057-C-A. GRCh37 (hg19) VCF-style: chr9-79946973-C-A.
Other names: c.5922C>A, p.Thr1974= (NM_001018037.2); c.6039C>A, p.Thr2013= (NM_001018038.3, NM_015186.4).
Identifiers: ClinVar variation 702276 (VCV000702276.16), dbSNP rs528628591, ClinGen allele CA5092926.

ClinVar aggregate classification (germline): Benign/Likely benign. Review status: criteria provided, multiple submitters, no conflicts (2 of 4 stars). 4 submissions from 4 submitters: Benign (1); Likely benign (2). 1 of the submissions does not count toward it. Last evaluated 2026-01-26.

Conditions:
VPS13A-related neurodegenerative disease. Also called: LEVINE-CRITCHLEY SYNDROME; VPS13A Disease; ACANTHOCYTOSIS WITH NEUROLOGIC DISORDER; Choreoacanthocytosis; Chorea-acanthocytosis; Choreaacanthocytosis. Identifiers: Orphanet 2388, MedGen C0393576, MONDO:0008695, OMIM 200150.

Allele frequency attached by ClinVar (database versions not stated): gnomAD below 0.00001 and 0.00014; TOPMed 0.00003; ExAC 0.00070; 1000 Genomes Project 0.00080; 1000 Genomes Project 30x 0.00094.

Submissions (4):

Labcorp Genetics (formerly Invitae), Labcorp
Classification: Benign. Last evaluated: 2026-01-26. Review status: criteria provided, single submitter. Criteria: Invitae Variant Classification Sherloc (09022015). Collection method: clinical testing. Allele origin: germline.

Blueprint Genetics
Classification: Likely benign. Last evaluated: 2024-11-19. Review status: criteria provided, single submitter. Criteria: ACMG Guidelines, 2015. Collection method: clinical testing. Allele origin: germline.

Illumina Laboratory Services, Illumina
Classification: Likely benign for VPS13A-related neurodegenerative disease. Last evaluated: 2018-01-12. Review status: criteria provided, single submitter. Criteria: ICSL Variant Classification Criteria 13 December 2019. Collection method: clinical testing. Allele origin: germline.
Comment: This variant was observed in the ICSL laboratory as part of a predisposition screen in an ostensibly healthy population. It had not been previously curated by ICSL or reported in the Human Gene Mutation Database (HGMD: prior to June 1st, 2018), and was therefore a candidate for classification through an automated scoring system. Utilizing variant allele frequency, disease prevalence and penetrance estimates, and inheritance mode, an automated score was calculated to assess if this variant is too frequent to cause the disease. Based on the score and internal cut-off values, a variant classified as likely benign is not then subjected to further curation. The score for this variant resulted in a classification of likely benign for this disease.

Natera, Inc.
Classification: Benign for Choreaacanthocytosis. Last evaluated: 2020-04-13. Review status: no assertion criteria provided. Collection method: clinical testing. Allele origin: germline. Not counted in ClinVar's aggregate classification.